The following is an entry in ClinVar:

NM_001161417.2(GPR17):c.57G>A (p.Thr19=)

Genes: GPR17 (G protein-coupled receptor 17; plus strand), LIMS2 (LIM zinc finger domain containing 2; minus strand). Cytogenetic location: 2q14.3.
Variant type: single nucleotide variant.
Coding change: c.57G>A on transcript NM_001161417.2 (MANE Select); coding-DNA position 57, G replaced by A.
Protein change: p.Thr19=; no amino-acid change (threonine 19 retained).
Molecular consequence: synonymous variant. On other transcripts: intron variant (4).
Genome position (GRCh38, 1-based): chr2:127,650,792, G>A. VCF-style: chr2-127650792-G-A. GRCh37 (hg19) VCF-style: chr2-128408366-G-A.
Other names: NC_000002.11:g.128408366G>A; c.141G>A, p.Thr47= (NM_001161415.2, NM_005291.3); c.57G>A, p.Thr19= (NM_001161416.2); c.344+3632C>T (NM_001161404.2); c.359+3632C>T (NM_001161403.3); c.425+3632C>T (NM_001136037.4); c.431+3632C>T (NM_017980.5).
Identifiers: ClinVar variation 4503633 (VCV004503633.7).

ClinVar aggregate classification (germline): Likely benign (1 of 4 stars; one submission).

gnomAD v4.1: 905 of 1,613,186 alleles (0.056%); highest among the groups gnomAD compares: African/African-American, 0.84%; 5 homozygotes.

Submissions (2):

CeGaT Center for Human Genetics Tuebingen
Classification: Likely benign. Last evaluated: 2025-11-01. Review status: criteria provided, single submitter. Criteria: CeGaT Center For Human Genetics Tuebingen Variant Classification Criteria Version 2. Collection method: clinical testing. Allele origin: germline. Affected: yes. Observed: 1 variant allele.
Comment: GPR17: BP4, BP7

Dr. Peter K. Rogan Lab, Western University
No classification provided (evidence only). Condition: Familial cancer of breast. Review status: no classification provided. Collection method: in vitro. Allele origin: not applicable. Functional consequence: retained intron. Not counted in ClinVar's aggregate classification.